The following is an entry in ClinVar:

NM_006118.4(HAX1):c.139G>A (p.Gly47Arg)

Gene: HAX1 (HCLS1 associated protein X-1; plus strand). Cytogenetic location: 1q21.3.
Variant type: single nucleotide variant.
Coding change: c.139G>A on transcript NM_006118.4 (MANE Select); coding-DNA position 139, G replaced by A.
Protein change: p.Gly47Arg; replaces glycine 47 with arginine.
Molecular consequence: missense variant. On other transcripts: intron variant (1).
Genome position (GRCh38, 1-based): chr1:154,273,421, G>A. VCF-style: chr1-154273421-G-A. GRCh37 (hg19) VCF-style: chr1-154245897-G-A.
Other names: c.54-59G>A (NM_001018837.2); short protein forms G47R.
Identifiers: ClinVar variation 3856882 (VCV003856882.1).

ClinVar aggregate classification (germline): Uncertain significance (1 of 4 stars; one submission).

Conditions:
Inborn genetic diseases. Identifiers: MedGen C0950123, MeSH D030342.

Submission:

Ambry Genetics
Classification: Uncertain significance for Inborn genetic diseases. Last evaluated: 2025-02-03. Review status: criteria provided, single submitter. Criteria: Ambry Variant Classification Scheme 2023. Collection method: clinical testing. Allele origin: germline.
Comment: The p.G47R variant (also known as c.139G>A), located in coding exon 2 of the HAX1 gene, results from a G to A substitution at nucleotide position 139. The glycine at codon 47 is replaced by arginine, an amino acid with dissimilar properties. This amino acid position is conserved. In addition, this alteration is predicted to be tolerated by in silico analysis. Based on the available evidence, the clinical significance of this variant remains unclear.